The following is an entry in ClinVar:

ClinVar aggregate classification (germline): Conflicting classifications of pathogenicity. Review status: criteria provided, conflicting classifications (1 of 4 stars). 4 submissions from 4 submitters: Pathogenic (1); Uncertain significance (3). Last evaluated 2026-02-12.

Conditions:
Medium-chain acyl-coenzyme A dehydrogenase deficiency (ACADMD). Also called: ACADM DEFICIENCY; CARNITINE DEFICIENCY SECONDARY TO MEDIUM-CHAIN ACYL-CoA DEHYDROGENASE DEFICIENCY; MCADH DEFICIENCY; MCADD; Medium chain acyl-CoA dehydrogenase deficiency; MCAD Deficiency. Identifiers: Orphanet 42, MedGen C0220710, MONDO:0008721, OMIM 201450.

gnomAD v4.1: 4 of 1,613,802 alleles (0.00025%); highest among the groups gnomAD compares: Admixed American, 0.0017%; no homozygotes.

Submissions (4):

Stanford Starfish Project, Stanford University
Classification: Pathogenic for Medium-chain acyl-coenzyme A dehydrogenase deficiency. Last evaluated: 2026-02-12. Review status: criteria provided, single submitter. Criteria: ACMG Guidelines, 2015. Collection method: provider interpretation. Allele origin: paternal. Inheritance: Autosomal recessive inheritance. Affected: yes. Observed: 1 compound heterozygote.
Comment: This sequence change replaces alanine, which is neutral and non-polar, with aspartic acid, which is acidic and polar, at codon 218 of the ACADM protein (p.Ala218Asp). Other variants impacting this amino acid residue (p.Ala218Gly) have been classified as pathogenic. This variant is rare in large population databases with an allele frequency of 0.001667% in Admixed American populations per the Genome Aggregation Database. See Observation 1 for details on clinical features. Variant present in trans with pathogenic variant ACADM c.985A>G p.Lys329Gly.

GeneDx
Classification: Uncertain significance. Last evaluated: 2026-01-29. Review status: criteria provided, single submitter. Criteria: GeneDx Variant Classification Process June 2021. Collection method: clinical testing. Allele origin: germline.
Comment: Observed with a pathogenic variant in a patient with suspicion of MCAD deficiency based on newborn screening in published literature, but it is not known whether the variants occurred on the same (in cis) or on different (in trans) chromosomes (PMID: 33580884); Not observed at significant frequency in large population cohorts (gnomAD); In silico analysis supports that this missense variant has a deleterious effect on protein structure/function; This variant is associated with the following publications: (PMID: 33580884)

Labcorp Genetics (formerly Invitae), Labcorp
Classification: Uncertain significance for Medium-chain acyl-coenzyme A dehydrogenase deficiency. Last evaluated: 2025-06-02. Review status: criteria provided, single submitter. Criteria: Invitae Variant Classification Sherloc (09022015). Collection method: clinical testing. Allele origin: germline.
Comment: This sequence change replaces alanine, which is neutral and non-polar, with aspartic acid, which is acidic and polar, at codon 218 of the ACADM protein (p.Ala218Asp). This variant is present in population databases (rs764268346, gnomAD 0.003%). This missense change has been observed in individual(s) with a positive newborn screening result for ACADM-related disease (PMID: 33580884). ClinVar contains an entry for this variant (Variation ID: 2181756). Invitae Evidence Modeling of protein sequence and biophysical properties (such as structural, functional, and spatial information, amino acid conservation, physicochemical variation, residue mobility, and thermodynamic stability) indicates that this missense variant is expected to disrupt ACADM protein function with a positive predictive value of 80%. This variant disrupts the p.Ala218 amino acid residue in ACADM. Other variant(s) that disrupt this residue have been determined to be pathogenic (PMID: 23842438, 31012112, 33580884). This suggests that this residue is clinically significant, and that variants that disrupt this residue are likely to be disease-causing. In summary, the available evidence is currently insufficient to determine the role of this variant in disease. Therefore, it has been classified as a Variant of Uncertain Significance.

Women's Health and Genetics/Laboratory Corporation of America, LabCorp
Classification: Uncertain significance. Last evaluated: 2023-09-14. Review status: criteria provided, single submitter. Criteria: LabCorp Variant Classification Summary - May 2015. Collection method: clinical testing. Allele origin: germline.
Comment: Variant summary: ACADM c.653C>A (p.Ala218Asp) results in a non-conservative amino acid change located in the Acyl-CoA oxidase/dehydrogenase, middle domain (IPR006091) of the encoded protein sequence. Five of five in-silico tools predict a damaging effect of the variant on protein function. The variant allele was found at a frequency of 1.6e-05 in 251392 control chromosomes (gnomAD). c.653C>A has been reported in the literature in individuals affected with Medium Chain Acyl-CoA Dehydrogenase Deficiency (example: Tucci_2021). To our knowledge, no experimental evidence demonstrating an impact on protein function has been reported. Other variants affecting the same residue (p.Ala218Gly, p.Ala218Thr) have been classified pathogenic/likely pathogenic in ClinVar (CV ID: 1404546, 2578026) suggesting this residue may play a critical functional role. The following publication has been ascertained in the context of this evaluation (PMID: 33580884). Two submitters have cited clinical-significance assessments for this variant to ClinVar after 2014. All submitters classified the variant as uncertain significance. Based on the evidence outlined above, the variant was classified as VUS-possibly pathogenic.

Literature cited by the submitters: PubMed 33580884 (cited by Labcorp Genetics (formerly Invitae), Labcorp and Women's Health and Genetics/Laboratory Corporation of America, LabCorp); PubMed 23842438 (cited by Labcorp Genetics (formerly Invitae), Labcorp); PubMed 31012112 (cited by Labcorp Genetics (formerly Invitae), Labcorp).

NM_000016.6(ACADM):c.653C>A (p.Ala218Asp)

Gene: ACADM (acyl-CoA dehydrogenase medium chain; plus strand). Cytogenetic location: 1p31.1.
Variant type: single nucleotide variant.
Coding change: c.653C>A on transcript NM_000016.6 (MANE Select); coding-DNA position 653, C replaced by A.
Protein change: p.Ala218Asp; replaces alanine 218 with aspartic acid.
Molecular consequence: missense variant.
Genome position (GRCh38, 1-based): chr1:75,745,859, C>A. VCF-style: chr1-75745859-C-A. GRCh37 (hg19) VCF-style: chr1-76211544-C-A.
Other names: c.653C>A (NM_000016.4); c.665C>A, p.Ala222Asp (NM_001127328.3); c.545C>A, p.Ala182Asp (NM_001286042.2); c.752C>A, p.Ala251Asp (NM_001286043.2); c.86C>A, p.Ala29Asp (NM_001286044.2); short protein forms A29D, A218D, A251D, A182D, A222D.
Identifiers: ClinVar variation 2181756 (VCV002181756.8), dbSNP rs764268346, ClinGen allele CA913164.